The following is an entry in ClinVar:

ClinVar aggregate classification (germline): Uncertain significance (1 of 4 stars; one submission).

Allele frequency attached by ClinVar (database versions not stated): TOPMed below 0.00001; gnomAD 0.00001; gnomAD exomes 0.00005; ExAC 0.00008; 1000 Genomes Project 30x 0.00016; 1000 Genomes Project 0.00020.
gnomAD v4.1: 29 of 1,603,548 alleles (0.0018%); highest among the groups gnomAD compares: South Asian, 0.031%; no homozygotes.

Submission:

Labcorp Genetics (formerly Invitae), Labcorp
Classification: Uncertain significance. Last evaluated: 2023-03-02. Review status: criteria provided, single submitter. Criteria: Invitae Variant Classification Sherloc (09022015). Collection method: clinical testing. Allele origin: germline.
Comment: This sequence change falls in intron 31 of the COL4A1 gene. It does not directly change the encoded amino acid sequence of the COL4A1 protein. It affects a nucleotide within the consensus splice site. In summary, the available evidence is currently insufficient to determine the role of this variant in disease. Therefore, it has been classified as a Variant of Uncertain Significance. Variants that disrupt the consensus splice site are a relatively common cause of aberrant splicing (PMID: 17576681, 9536098). Algorithms developed to predict the effect of sequence changes on RNA splicing suggest that this variant is not likely to affect RNA splicing. This variant has not been reported in the literature in individuals affected with COL4A1-related conditions. This variant is present in population databases (rs533363311, gnomAD 0.03%).

Literature cited by the submitters: PubMed 17576681; PubMed 9536098.

NM_001845.6(COL4A1):c.2458+5G>A

Gene: COL4A1 (collagen type IV alpha 1 chain; minus strand). Cytogenetic location: 13q34.
Variant type: single nucleotide variant.
Coding change: c.2458+5G>A on transcript NM_001845.6 (MANE Select); 5 bases into the intron after coding-DNA position 2458, G replaced by A.
Molecular consequence: intron variant.
Genome position (GRCh38, 1-based): chr13:110,178,918, C>T on the plus strand (G>A on the coding strand, the complement: COL4A1 is on the minus strand). VCF-style: chr13-110178918-C-T. GRCh37 (hg19) VCF-style: chr13-110831265-C-T.
Identifiers: ClinVar variation 2981624 (VCV002981624.3), dbSNP rs533363311, ClinGen allele CA7047594.